The following is an entry in ClinVar:

ClinVar aggregate classification (germline): Likely benign. Review status: criteria provided, multiple submitters, no conflicts (2 of 4 stars). 6 submissions from 6 submitters: Likely benign (6). Last evaluated 2026-07-20.

Conditions:
SACS-related disorder. Also called: SACS-related condition.
Spastic paraplegia. Identifiers: MedGen C0037772, HP:0001258.

Allele frequency attached by ClinVar (database versions not stated): ExAC 0.00007; gnomAD 0.00009; gnomAD exomes 0.00010 and 0.00021; ESP Exome Variant Server 0.00015; TOPMed 0.00017.
gnomAD v4.1: 312 of 1,614,056 alleles (0.019%); highest among the groups gnomAD compares: Non-Finnish European, 0.024%; no homozygotes.

Submissions (6):

PreventionGenetics, part of Exact Sciences
Classification: Likely benign for SACS-related condition. Last evaluated: 2026-07-20. Review status: criteria provided, single submitter. Criteria: ACMG Guidelines, 2015. Collection method: clinical testing. Allele origin: germline.
Comment: This variant is classified as likely benign based on ACMG/AMP sequence variant interpretation guidelines (Richards et al. 2015 PMID: 25741868, with internal and published modifications).

Labcorp Genetics (formerly Invitae), Labcorp
Classification: Likely benign for Spastic paraplegia. Last evaluated: 2026-01-27. Review status: criteria provided, single submitter. Criteria: Invitae Variant Classification Sherloc (09022015). Collection method: clinical testing. Allele origin: germline.

Mayo Clinic Laboratories, Mayo Clinic
Classification: Likely benign. Last evaluated: 2025-11-02. Review status: criteria provided, single submitter. Criteria: ACMG Guidelines, 2015. Collection method: clinical testing. Allele origin: germline. Observed: 2 variant alleles.
Comment: BP4, BP7

Blueprint Genetics
Classification: Likely benign. Last evaluated: 2024-04-30. Review status: criteria provided, single submitter. Criteria: ACMG Guidelines, 2015. Collection method: clinical testing. Allele origin: germline.

CeGaT Center for Human Genetics Tuebingen
Classification: Likely benign. Last evaluated: 2022-11-01. Review status: criteria provided, single submitter. Criteria: CeGaT Center For Human Genetics Tuebingen Variant Classification Criteria Version 2. Collection method: clinical testing. Allele origin: germline. Affected: yes. Observed: 1 variant allele.
Comment: SACS: BP4, BP7

Athena Diagnostics
Classification: Likely benign. Last evaluated: 2019-05-28. Review status: criteria provided, single submitter. Criteria: Athena Diagnostics Criteria. Collection method: clinical testing. Allele origin: germline.

NM_014363.6(SACS):c.2040C>T (p.Ser680=)

Gene: SACS (sacsin molecular chaperone; minus strand). Cytogenetic location: 13q12.12.
Variant type: single nucleotide variant.
Coding change: c.2040C>T on transcript NM_014363.6 (MANE Select); coding-DNA position 2040, C replaced by T.
Protein change: p.Ser680=; no amino-acid change (serine 680 retained).
Molecular consequence: synonymous variant.
Genome position (GRCh38, 1-based): chr13:23,354,572, G>A on the plus strand (C>T on the coding strand, the complement: SACS is on the minus strand). VCF-style: chr13-23354572-G-A. GRCh37 (hg19) VCF-style: chr13-23928711-G-A.
Other names: p.Ser680=; c.1599C>T, p.Ser533= (NM_001278055.2).
Identifiers: ClinVar variation 458257 (VCV000458257.39), dbSNP rs142115704, ClinGen allele CA6911802.